The following is an entry in ClinVar:

NM_033028.5(BBS4):c.1248G>C (p.Glu416Asp)

Gene: BBS4 (Bardet-Biedl syndrome 4; plus strand). Cytogenetic location: 15q24.1.
Variant type: single nucleotide variant.
Coding change: c.1248G>C on transcript NM_033028.5 (MANE Select); coding-DNA position 1248, G replaced by C.
Protein change: p.Glu416Asp; replaces glutamic acid 416 with aspartic acid.
Molecular consequence: missense variant. On other transcripts: non-coding transcript variant (2).
Genome position (GRCh38, 1-based): chr15:72,735,966, G>C. VCF-style: chr15-72735966-G-C. GRCh37 (hg19) VCF-style: chr15-73028307-G-C.
Other names: c.732G>C, p.Glu244Asp (NM_001252678.2); c.1179G>C, p.Glu393Asp (NM_001320665.2); c.1248G>C (NM_033028.4); short protein forms E244D, E393D, E416D.
Identifiers: ClinVar variation 1051639 (VCV001051639.11), dbSNP rs914591602, ClinGen allele CA393080257.
Genomic context (GRCh38, chr15:72,735,966, plus strand): 5'-GGAGATGGAGAAGAAAGTCAGCCTACTCAAGGACAATAGCTCTCTGGAATTTGACTCTGA[G>C]GTATGTCTTTTATTAGCTCCCAAGAGTCATAAGTAAGCTCTCAGGAGACTTTTAAAAATC-3'
Protein context (NP_149017.2, residues 406-426): KDNSSLEFDS[Glu416Asp]MVEMAQKLGA

ClinVar aggregate classification (germline): Conflicting classifications of pathogenicity. Review status: criteria provided, conflicting classifications (1 of 4 stars). 4 submissions from 4 submitters: Likely pathogenic (1); Uncertain significance (3). Last evaluated 2026-01-07.

Conditions:
Bardet-Biedl syndrome (BBS). Identifiers: Orphanet 110, MedGen C0752166, MONDO:0015229.
BBS4-related disorder. Also called: BBS4-related condition.
Bardet-Biedl syndrome 4 (BBS4). Identifiers: Orphanet 110, MedGen C2936864, MONDO:0014433, OMIM 615982.

Allele frequency attached by ClinVar (database versions not stated): gnomAD 0.00001; gnomAD exomes 0.00001.
gnomAD v4.1: 6 of 1,613,884 alleles (0.00037%); highest among the groups gnomAD compares: Non-Finnish European, 0.00051%; no homozygotes.

Submissions (4):

Labcorp Genetics (formerly Invitae), Labcorp
Classification: Uncertain significance for Bardet-Biedl syndrome. Last evaluated: 2026-01-07. Review status: criteria provided, single submitter. Criteria: Invitae Variant Classification Sherloc (09022015). Collection method: clinical testing. Allele origin: germline.
Comment: This sequence change replaces glutamic acid, which is acidic and polar, with aspartic acid, which is acidic and polar, at codon 416 of the BBS4 protein (p.Glu416Asp). This variant also falls at the last nucleotide of exon 14, which is part of the consensus splice site for this exon. This variant is not present in population databases (gnomAD no frequency). This missense change has been observed in individual(s) with retinitis pigmentosa (internal data). ClinVar contains an entry for this variant (Variation ID: 1051639). An algorithm developed to predict the effect of missense changes on protein structure and function (PolyPhen-2) suggests that this variant is likely to be disruptive. Variants that disrupt the consensus splice site are a relatively common cause of aberrant splicing (PMID: 17576681, 9536098). Algorithms developed to predict the effect of sequence changes on RNA splicing suggest that this variant may disrupt the consensus splice site. In summary, the available evidence is currently insufficient to determine the role of this variant in disease. Therefore, it has been classified as a Variant of Uncertain Significance.

PreventionGenetics, part of Exact Sciences
Classification: Uncertain significance for BBS4-related condition. Last evaluated: 2025-07-11. Review status: criteria provided, single submitter. Criteria: ACMG Guidelines, 2015. Collection method: clinical testing. Allele origin: germline.
Comment: The BBS4 c.1248G>C variant is predicted to result in the amino acid substitution p.Glu416Asp. This variant is located at the last nucleotide position of exon 14, and available splicing prediction algorithms indicate that this variant may weaken the canonical donor splice site (SpliceAI, Jaganathan et al. 2019. PubMed ID: 30661751). To our knowledge, this variant has not been reported in the literature or in a large population database (gnomAD), indicating this variant is rare. At this time, the clinical significance of this variant is uncertain due to the absence of conclusive functional and genetic evidence.

Blueprint Genetics
Classification: Likely pathogenic for BBS4-related disorders. Last evaluated: 2022-09-02. Review status: criteria provided, single submitter. Criteria: ACMG Guidelines, 2015. Collection method: clinical testing. Allele origin: germline. Affected: yes. Observed: 1 variant allele.

Fulgent Genetics
Classification: Uncertain significance for Bardet-Biedl syndrome 4. Last evaluated: 2021-07-05. Review status: criteria provided, single submitter. Criteria: ACMG Guidelines, 2015. Collection method: clinical testing. Allele origin: unknown.

Literature cited by the submitters: PubMed 17576681 (cited by Labcorp Genetics (formerly Invitae), Labcorp); PubMed 9536098 (cited by Labcorp Genetics (formerly Invitae), Labcorp).